The following is an entry in ClinVar:

ClinVar aggregate classification (germline): Uncertain significance. Review status: criteria provided, multiple submitters, no conflicts (2 of 4 stars). 2 submissions from 2 submitters: Uncertain significance (2). Last evaluated 2025-11-13.

Conditions:
Inborn genetic diseases. Identifiers: MedGen C0950123, MeSH D030342.
Autosomal recessive limb-girdle muscular dystrophy type 2F (LGMDR6). Also called: Muscular dystrophy limb-girdle with delta-sarcoglyan deficiency; MUSCULAR DYSTROPHY, LIMB-GIRDLE, AUTOSOMAL RECESSIVE 6. Identifiers: Orphanet 219, MedGen C1832525, MONDO:0011028, OMIM 601287. Disease mechanism: Affects gamma-sarcoglycan and also disrupts the integrity of the entire sarcoglycan complex..

Allele frequency attached by ClinVar (database versions not stated): gnomAD exomes below 0.00001; gnomAD 0.00001.

Submissions (2):

Ambry Genetics
Classification: Uncertain significance for Inborn genetic diseases. Last evaluated: 2025-11-13. Review status: criteria provided, single submitter. Criteria: Ambry Variant Classification Scheme 2023. Collection method: clinical testing. Allele origin: germline.

Labcorp Genetics (formerly Invitae), Labcorp
Classification: Uncertain significance for Autosomal recessive limb-girdle muscular dystrophy type 2F. Last evaluated: 2022-11-08. Review status: criteria provided, single submitter. Criteria: Invitae Variant Classification Sherloc (09022015). Collection method: clinical testing. Allele origin: germline.
Comment: In summary, the available evidence is currently insufficient to determine the role of this variant in disease. Therefore, it has been classified as a Variant of Uncertain Significance. Algorithms developed to predict the effect of missense changes on protein structure and function (SIFT, PolyPhen-2, Align-GVGD) all suggest that this variant is likely to be tolerated. This variant has not been reported in the literature in individuals affected with SGCD-related conditions. This variant is not present in population databases (gnomAD no frequency). This sequence change replaces methionine, which is neutral and non-polar, with threonine, which is neutral and polar, at codon 14 of the SGCD protein (p.Met14Thr).

NM_000337.6(SGCD):c.41T>C (p.Met14Thr)

Gene: SGCD (sarcoglycan delta; plus strand). Cytogenetic location: 5q33.3.
Variant type: single nucleotide variant.
Coding change: c.41T>C on transcript NM_000337.6 (MANE Select); coding-DNA position 41, T replaced by C.
Protein change: p.Met14Thr; replaces methionine 14 with threonine.
Molecular consequence: missense variant.
Genome position (GRCh38, 1-based): chr5:156,344,526, T>C. VCF-style: chr5-156344526-T-C. GRCh37 (hg19) VCF-style: chr5-155771536-T-C.
Other names: c.38T>C, p.Met13Thr (NM_001128209.2); c.41T>C, p.Met14Thr (NM_172244.3); short protein forms M13T, M14T.
Identifiers: ClinVar variation 2195302 (VCV002195302.5), dbSNP rs1768841493, ClinGen allele CA362007575.